The following is an entry in ClinVar:

ClinVar aggregate classification (germline): Pathogenic/Likely pathogenic. Review status: criteria provided, multiple submitters, no conflicts (2 of 4 stars). 3 submissions from 3 submitters: Pathogenic (1); Likely pathogenic (1). 1 of the submissions does not count toward it. Last evaluated 2024-04-14.

Conditions:
Alkaptonuria (AKU). Also called: HOMOGENTISIC ACID OXIDASE DEFICIENCY; Alcaptonuria; Alkaptonuric ochronosis; Homogentisic acidura. Identifiers: Orphanet 56, MedGen C0002066, MONDO:0008753, OMIM 203500.

Allele frequency attached by ClinVar (database versions not stated): ExAC 0.00002; gnomAD 0.00002 and 0.00003; gnomAD exomes 0.00002 and 0.00006; TOPMed 0.00002; 1000 Genomes Project 0.00020; 1000 Genomes Project 30x 0.00031.

Submissions (3):

Labcorp Genetics (formerly Invitae), Labcorp
Classification: Pathogenic for Alkaptonuria. Last evaluated: 2024-04-14. Review status: criteria provided, single submitter. Criteria: Invitae Variant Classification Sherloc (09022015). Collection method: clinical testing. Allele origin: germline.
Comment: This sequence change replaces glycine, which is neutral and non-polar, with arginine, which is basic and polar, at codon 123 of the HGD protein (p.Gly123Arg). This variant is present in population databases (rs564979861, gnomAD 0.004%). This missense change has been observed in individual(s) with alkaptonuria (PMID: 19862842, 25681086). ClinVar contains an entry for this variant (Variation ID: 1065535). Advanced modeling of protein sequence and biophysical properties (such as structural, functional, and spatial information, amino acid conservation, physicochemical variation, residue mobility, and thermodynamic stability) performed at Invitae indicates that this missense variant is expected to disrupt HGD protein function with a positive predictive value of 80%. For these reasons, this variant has been classified as Pathogenic.

NxGen MDx
Classification: Likely pathogenic for Alkaptonuria. Last evaluated: 2019-12-23. Review status: criteria provided, single submitter. Criteria: ACMG Guidelines, 2015. Collection method: clinical testing. Allele origin: unknown.
Comment: This missense variant (c.367G>A) is in a hotspot locus on exon 6 of HGD (PM1). Low allele frequency is noted in GnomAD exomes (PM2). Computational verdicts indicate pathogenicity (PP3). Uniprot has classified an alternate variant at this locus as disease-associated using ACMG guidelines (PM5). This variant was first reported by Vilboux et al. PMID 19862842 in an affected homozygote, and an additional case is reported by Usher et al. PMID 25681086. We interpret c.367G>A to be likely pathogenic.

Department Of Human Genetics, Institute Of Clinical And Translational Research, Biomedical Research Center, Slovak Academy Of Sciences
Classification: Pathogenic for Alkaptonuria. Review status: no assertion criteria provided. Collection method: research. Allele origin: germline. Inheritance: Autosomal recessive inheritance. Affected: yes. Observed: 6 variant alleles. Not counted in ClinVar's aggregate classification.
Comment: The variant was originally described in AKU patient in PMID:19862842. It has been submitted to the HGD gene mutation database (DB-ID: AKU_00032).

Literature cited by the submitters: PubMed 19862842 (cited by 3 submitters); PubMed 25681086 (cited by Labcorp Genetics (formerly Invitae), Labcorp and NxGen MDx).

NM_000187.4(HGD):c.367G>A (p.Gly123Arg)

Gene: HGD (homogentisate 1,2-dioxygenase; minus strand). Cytogenetic location: 3q13.33.
Variant type: single nucleotide variant.
Coding change: c.367G>A on transcript NM_000187.4 (MANE Select); coding-DNA position 367, G replaced by A.
Protein change: p.Gly123Arg; replaces glycine 123 with arginine.
Molecular consequence: missense variant.
Genome position (GRCh38, 1-based): chr3:120,650,841, C>T on the plus strand (G>A on the coding strand, the complement: HGD is on the minus strand). VCF-style: chr3-120650841-C-T. GRCh37 (hg19) VCF-style: chr3-120369688-C-T.
Other names: short protein forms G123R.
Identifiers: ClinVar variation 1065535 (VCV001065535.7), dbSNP rs564979861, ClinGen allele CA2560227.